The following is an entry in ClinVar:

ClinVar aggregate classification (germline): Uncertain significance. Review status: criteria provided, multiple submitters, no conflicts (2 of 4 stars). 3 submissions from 3 submitters: Uncertain significance (3). Last evaluated 2023-11-01.

Conditions:
Autosomal recessive spinocerebellar ataxia 12. Also called: SPINOCEREBELLAR ATAXIA WITH MENTAL RETARDATION AND EPILEPSY. Identifiers: Orphanet 284282, MedGen C3280452, MONDO:0013687, OMIM 614322.
Developmental and epileptic encephalopathy, 1 (DEE1). Also called: X-linked infantile spasms; West's syndrome; Tonic spasms with clustering, arrest of psychomotor development and hypsarrhythmia on EEG; X-Linked Infantile Spasm Syndrome; INFANTILE SPASM SYNDROME, X-LINKED 1; Epileptic encephalopathy, early infantile, 1. Identifiers: MedGen C3463992, MONDO:0010632, OMIM 308350. Disease mechanism: loss of function.

Allele frequency attached by ClinVar (database versions not stated): gnomAD exomes 0.00013; ExAC 0.00015; TOPMed 0.00033; gnomAD 0.00036 and 0.00038; ESP Exome Variant Server 0.00048; 1000 Genomes Project 30x 0.00062; 1000 Genomes Project 0.00080.
gnomAD v4.1: 125 of 1,614,174 alleles (0.0077%); highest among the groups gnomAD compares: African/African-American, 0.11%; 1 homozygote.

Submissions (3):

CeGaT Center for Human Genetics Tuebingen
Classification: Uncertain significance. Last evaluated: 2023-11-01. Review status: criteria provided, single submitter. Criteria: CeGaT Center For Human Genetics Tuebingen Variant Classification Criteria Version 2. Collection method: clinical testing. Allele origin: germline. Affected: yes. Observed: 1 variant allele.
Comment: WWOX: PM2, BP4

Labcorp Genetics (formerly Invitae), Labcorp
Classification: Uncertain significance for Developmental and epileptic encephalopathy, 1; Autosomal recessive spinocerebellar ataxia 12. Last evaluated: 2022-10-17. Review status: criteria provided, single submitter. Criteria: Invitae Variant Classification Sherloc (09022015). Collection method: clinical testing. Allele origin: germline.
Comment: This sequence change replaces arginine, which is basic and polar, with histidine, which is basic and polar, at codon 333 of the WWOX protein (p.Arg333His). This variant is present in population databases (rs184773837, gnomAD 0.1%). This variant has not been reported in the literature in individuals affected with WWOX-related conditions. ClinVar contains an entry for this variant (Variation ID: 566015). Advanced modeling of protein sequence and biophysical properties (such as structural, functional, and spatial information, amino acid conservation, physicochemical variation, residue mobility, and thermodynamic stability) performed at Invitae indicates that this missense variant is not expected to disrupt WWOX protein function. In summary, the available evidence is currently insufficient to determine the role of this variant in disease. Therefore, it has been classified as a Variant of Uncertain Significance.

GeneDx
Classification: Uncertain significance. Last evaluated: 2020-03-26. Review status: criteria provided, single submitter. Criteria: GeneDx Variant Classification Process June 2021. Collection method: clinical testing. Allele origin: germline. Affected: yes.
Comment: In silico analysis, which includes protein predictors and evolutionary conservation, supports a deleterious effect; Has not been previously published as pathogenic or benign to our knowledge

NM_016373.4(WWOX):c.998G>A (p.Arg333His)

Gene: WWOX (WW domain containing oxidoreductase; plus strand). Cytogenetic location: 16q23.1.
Variant type: single nucleotide variant.
Coding change: c.998G>A on transcript NM_016373.4 (MANE Select); coding-DNA position 998, G replaced by A.
Protein change: p.Arg333His; replaces arginine 333 with histidine.
Molecular consequence: missense variant.
Genome position (GRCh38, 1-based): chr16:78,432,694, G>A. VCF-style: chr16-78432694-G-A. GRCh37 (hg19) VCF-style: chr16-78466591-G-A.
Other names: c.659G>A, p.Arg220His (NM_001291997.2); short protein forms R333H, R220H.
Identifiers: ClinVar variation 566015 (VCV000566015.32), dbSNP rs184773837, ClinGen allele CA8183596.